The following is an entry in ClinVar:

ClinVar aggregate classification (germline): Pathogenic (1 of 4 stars; one submission).

Conditions:
Maple syrup urine disease (MSUD). Identifiers: Orphanet 511, MedGen C0024776, MeSH D008375, MONDO:0009563. Disease mechanism: loss of function.

Submission:

Labcorp Genetics (formerly Invitae), Labcorp
Classification: Pathogenic for Maple syrup urine disease. Last evaluated: 2022-02-25. Review status: criteria provided, single submitter. Criteria: Invitae Variant Classification Sherloc (09022015). Collection method: clinical testing. Allele origin: germline.
Comment: For these reasons, this variant has been classified as Pathogenic. This variant has not been reported in the literature in individuals affected with BCKDHA-related conditions. This variant is not present in population databases (gnomAD no frequency). This sequence change creates a premature translational stop signal (p.Ala220Glyfs*110) in the BCKDHA gene. It is expected to result in an absent or disrupted protein product. Loss-of-function variants in BCKDHA are known to be pathogenic (PMID: 16786533, 22593002).

Literature cited by the submitters: PubMed 16786533; PubMed 22593002.

NM_000709.4(BCKDHA):c.659del (p.Ala220fs)

Gene: BCKDHA (branched chain keto acid dehydrogenase E1 subunit alpha; plus strand). Cytogenetic location: 19q13.2.
Variant type: Deletion.
Coding change: c.659del on transcript NM_000709.4 (MANE Select); coding-DNA position 659, one base deleted (C; older notation c.659delC).
Protein change: p.Ala220fs; shifts the reading frame from alanine 220.
Molecular consequence: frameshift variant.
Genome position (GRCh38, 1-based): chr19:41,422,176, C deleted. VCF-style (leftmost placement, unchanged base first): chr19-41422175-GC-G. GRCh37 (hg19) VCF-style: chr19-41928080-GC-G.
Other names: c.659del, p.Ala220fs (NM_001164783.2); short protein forms A220fs.
Identifiers: ClinVar variation 2098463 (VCV002098463.4), dbSNP rs2513459641, ClinGen allele CA2580097290.